The following is an entry in ClinVar:

ClinVar aggregate classification (germline): Uncertain significance (1 of 4 stars; one submission).

Submission:

Dasa
Classification: Uncertain significance. Last evaluated: 2025-12-09. Review status: criteria provided, single submitter. Criteria: DASA Assertion Criteria. Collection method: clinical testing. Allele origin: germline.
Comment: NM_130797.4(DPP6):c.625C>T (p.Pro209Ser) is a missense variant that results in the substitution of proline with serine. This variant is rare in population databases. Computational prediction algorithms are consistent with a deleterious effect. The currently available literature and clinical evidence are not sufficient to establish a definitive association between this variant and the reported condition. Therefore, this variant is classified as a variant of uncertain significance.

NM_130797.4(DPP6):c.625C>T (p.Pro209Ser)

Gene: DPP6 (dipeptidyl peptidase like 6; plus strand). Cytogenetic location: 7q36.2.
Variant type: single nucleotide variant.
Coding change: c.625C>T on transcript NM_130797.4 (MANE Select); coding-DNA position 625, C replaced by T.
Protein change: p.Pro209Ser; replaces proline 209 with serine.
Molecular consequence: missense variant. On other transcripts: non-coding transcript variant (2).
Genome position (GRCh38, 1-based): chr7:154,566,914, C>T. VCF-style: chr7-154566914-C-T. GRCh37 (hg19) VCF-style: chr7-154263999-C-T.
Other names: c.433C>T, p.Pro145Ser (NM_001039350.3, NM_001364501.2); c.439C>T, p.Pro147Ser (NM_001290252.2, NM_001364502.2, NM_001936.5); c.625C>T, p.Pro209Ser (NM_001290253.2); c.442C>T, p.Pro148Ser (NM_001364497.2, NM_001364498.2, NM_001364499.2 and 1 more transcripts); short protein forms P145S, P147S, P148S, P209S.
Identifiers: ClinVar variation 4881251 (VCV004881251.2).
Genomic context (GRCh38, chr7:154,566,914, plus strand): 5'-GCCATCAGATATGAAATATCTCCAGATAGAGAGTATGCACTTTTTTCATACAATGTGGAA[C>T]CCGTGAGTATTATCCTTTACTGCCTACAAAATAATTGTTTCTTTATTCTAATATCTCATT-3'
Protein context (NP_570629.2, residues 199-219): EYALFSYNVE[Pro209Ser]IYQHSYTGYY